The following is an entry in ClinVar:

ClinVar aggregate classification (germline): Uncertain significance (1 of 4 stars; one submission).

Allele frequency attached by ClinVar (database versions not stated): TOPMed below 0.00001.

Submission:

Labcorp Genetics (formerly Invitae), Labcorp
Classification: Uncertain significance. Last evaluated: 2024-10-22. Review status: criteria provided, single submitter. Criteria: Invitae Variant Classification Sherloc (09022015). Collection method: clinical testing. Allele origin: germline.
Comment: This sequence change replaces histidine, which is basic and polar, with tyrosine, which is neutral and polar, at codon 815 of the ABCC6 protein (p.His815Tyr). This variant is not present in population databases (gnomAD no frequency). This variant has not been reported in the literature in individuals affected with ABCC6-related conditions. ClinVar contains an entry for this variant (Variation ID: 1989197). Invitae Evidence Modeling of protein sequence and biophysical properties (such as structural, functional, and spatial information, amino acid conservation, physicochemical variation, residue mobility, and thermodynamic stability) has been performed for this missense variant. However, the output from this modeling did not meet the statistical confidence thresholds required to predict the impact of this variant on ABCC6 protein function. In summary, the available evidence is currently insufficient to determine the role of this variant in disease. Therefore, it has been classified as a Variant of Uncertain Significance.

NM_001171.6(ABCC6):c.2443C>T (p.His815Tyr)

Gene: ABCC6 (ATP binding cassette subfamily C member 6; minus strand). Cytogenetic location: 16p13.11.
Variant type: single nucleotide variant.
Coding change: c.2443C>T on transcript NM_001171.6 (MANE Select); coding-DNA position 2443, C replaced by T.
Protein change: p.His815Tyr; replaces histidine 815 with tyrosine.
Molecular consequence: missense variant.
Genome position (GRCh38, 1-based): chr16:16,177,599, G>A on the plus strand (C>T on the coding strand, the complement: ABCC6 is on the minus strand). VCF-style: chr16-16177599-G-A. GRCh37 (hg19) VCF-style: chr16-16271456-G-A.
Other names: c.2101C>T, p.His701Tyr (NM_001351800.1); short protein forms H701Y, H815Y.
Identifiers: ClinVar variation 1989197 (VCV001989197.4), dbSNP rs2047321764, ClinGen allele CA394887813.
Genomic context (GRCh38, chr16:16,177,599, plus strand): 5'-CCATCTCTGCGATGGCCCCATTTGCCAGCACTATGATCCAATCAGCCTGGGGCAGGATGT[G>A]GAGTGCGTGCGTCACGAGAATCCGTGTCTGGGCAGGGAAGGGGTAGAAGTTACACACATG-3'
Protein context (NP_001162.5, residues 805-825): TTRILVTHAL[His815Tyr]ILPQADWIIV